The following is an entry in ClinVar:

ClinVar aggregate classification (germline): Uncertain significance. Review status: criteria provided, multiple submitters, no conflicts (2 of 4 stars). 2 submissions from 2 submitters: Uncertain significance (2). Last evaluated 2025-01-27.

Conditions:
Agammaglobulinemia 6, autosomal recessive (AGM6). Also called: AGAMMAGLOBULINEMIA 6; AGAMMAGLOBULINEMIA, AUTOSOMAL RECESSIVE, DUE TO CD79B DEFECT. Identifiers: MedGen C3150207, MONDO:0012987, OMIM 612692.

Allele frequency attached by ClinVar (database versions not stated): TOPMed 0.00010; gnomAD 0.00014; gnomAD exomes 0.00014 and 0.00024; ExAC 0.00016; ESP Exome Variant Server 0.00023.
gnomAD v4.1: 374 of 1,614,098 alleles (0.023%); highest among the groups gnomAD compares: Non-Finnish European, 0.029%; no homozygotes.

Submissions (2):

Labcorp Genetics (formerly Invitae), Labcorp
Classification: Uncertain significance for Agammaglobulinemia 6, autosomal recessive. Last evaluated: 2025-01-27. Review status: criteria provided, single submitter. Criteria: Invitae Variant Classification Sherloc (09022015). Collection method: clinical testing. Allele origin: germline.
Comment: This sequence change replaces methionine, which is neutral and non-polar, with valine, which is neutral and non-polar, at codon 96 of the CD79B protein (p.Met96Val). This variant is present in population databases (rs201757742, gnomAD 0.02%). This variant has not been reported in the literature in individuals affected with CD79B-related conditions. ClinVar contains an entry for this variant (Variation ID: 644557). An algorithm developed to predict the effect of missense changes on protein structure and function outputs the following: PolyPhen-2: "Benign". The valine amino acid residue is found in multiple mammalian species, which suggests that this missense change does not adversely affect protein function. In summary, the available evidence is currently insufficient to determine the role of this variant in disease. Therefore, it has been classified as a Variant of Uncertain Significance.

Blueprint Genetics
Classification: Uncertain significance. Last evaluated: 2022-07-13. Review status: criteria provided, single submitter. Criteria: ACMG Guidelines, 2015. Collection method: clinical testing. Allele origin: germline.

NM_000626.4(CD79B):c.286A>G (p.Met96Val)

Genes: CD79B (CD79b molecule; minus strand), GH-LCR (growth hormone locus control region; plus strand). Cytogenetic location: 17q23.3.
Variant type: single nucleotide variant.
Coding change: c.286A>G on transcript NM_000626.4 (MANE Select); coding-DNA position 286, A replaced by G.
Protein change: p.Met96Val; replaces methionine 96 with valine.
Molecular consequence: missense variant. On other transcripts: intron variant (2).
Genome position (GRCh38, 1-based): chr17:63,930,218, T>C on the plus strand (A>G on the coding strand, the complement: CD79B is on the minus strand). VCF-style: chr17-63930218-T-C. GRCh37 (hg19) VCF-style: chr17-62007578-T-C.
Other names: c.289A>G, p.Met97Val (NM_001039933.3); c.119-330A>G (NM_021602.4); c.122-330A>G (NM_001329050.2); short protein forms M97V, M96V.
Identifiers: ClinVar variation 644557 (VCV000644557.8), dbSNP rs201757742, ClinGen allele CA8708591.